The following is an entry in ClinVar:

NM_001384140.1(PCDH15):c.3441dup (p.Phe1148fs)

Gene: PCDH15 (protocadherin related 15; minus strand). Cytogenetic location: 10q21.1.
Variant type: Duplication.
Coding change: c.3441dup on transcript NM_001384140.1 (MANE Select); coding-DNA position 3441, one base duplicated (A; older notation c.3441dupA).
Protein change: p.Phe1148fs; shifts the reading frame from phenylalanine 1148.
Molecular consequence: frameshift variant.
Genome position (GRCh38, 1-based): chr10:53,903,303, T duplicated on the plus strand (A on the coding strand, the reverse complement: PCDH15 is on the minus strand); the first of 6 consecutive T bases (chr10:53,903,303-53,903,308); duplicating any one gives the same sequence. VCF-style (leftmost placement, unchanged base first): chr10-53903302-A-AT. GRCh37 (hg19) VCF-style: chr10-55663062-A-AT.
Other names: p.Phe1148IlefsX8; c.3441dup (NM_033056.3); c.3456dup, p.Phe1153fs (NM_001142763.2, NM_001142771.2); c.3441dup, p.Phe1148fs (NM_001142764.2, NM_001142766.2, NM_001142770.3 and 4 more transcripts); c.3228dup, p.Phe1077fs (NM_001142765.2); c.3330dup, p.Phe1111fs (NM_001142767.2); c.3375dup, p.Phe1126fs (NM_001142768.2, NM_001142773.2, NM_001354404.2); c.3472dup, p.Phe1160Ilefs (NM_001142769.4); and 2 more; short protein forms F1160fs, F1077fs, F1111fs, F1126fs, F1148fs, F1153fs, F1155fs.
Identifiers: ClinVar variation 370113 (VCV000370113.16), dbSNP rs770832663, ClinGen allele CA5505668.

ClinVar aggregate classification (germline): Pathogenic. Review status: criteria provided, multiple submitters, no conflicts (2 of 4 stars). 7 submissions from 7 submitters: Pathogenic (5). 2 of the submissions do not count toward it. Last evaluated 2024-04-02.

Conditions:
Rare genetic deafness. Identifiers: Orphanet 96210, MedGen C5680250.
Usher syndrome type 1F (USH1F). Also called: USHER SYNDROME, TYPE IF. Identifiers: Orphanet 231169, Orphanet 886, MedGen C1865885, MONDO:0011186, OMIM 602083.
Autosomal recessive nonsyndromic hearing loss 23. Identifiers: Orphanet 90636, MedGen C1836027, MONDO:0012293, OMIM 609533.
Usher syndrome type 1D (USH1D). Also called: USHER SYNDROME, TYPE ID. Identifiers: Orphanet 231169, Orphanet 886, MedGen C1832845, MONDO:0010984, OMIM 601067.
PCDH15-related disorder. Also called: PCDH15-related condition; PCDH15-related disorders.

Submissions (7):

Fulgent Genetics
Classification: Pathogenic for Usher syndrome type 1D; Usher syndrome type 1F; Autosomal recessive nonsyndromic hearing loss 23. Last evaluated: 2024-04-02. Review status: criteria provided, single submitter. Criteria: ACMG Guidelines, 2015. Collection method: clinical testing. Allele origin: germline.

Baylor Genetics
Classification: Pathogenic for Autosomal recessive nonsyndromic hearing loss 23. Last evaluated: 2024-01-08. Review status: criteria provided, single submitter. Criteria: ACMG Guidelines, 2015. Collection method: clinical testing. Allele origin: unknown.

Blueprint Genetics
Classification: Pathogenic for PCDH15-related disorders. Last evaluated: 2023-10-27. Review status: criteria provided, single submitter. Criteria: ACMG Guidelines, 2015. Collection method: clinical testing. Allele origin: germline. Affected: yes. Observed: 3 variant alleles.

Labcorp Genetics (formerly Invitae), Labcorp
Classification: Pathogenic. Last evaluated: 2022-06-14. Review status: criteria provided, single submitter. Criteria: Invitae Variant Classification Sherloc (09022015). Collection method: clinical testing. Allele origin: germline.
Comment: ClinVar contains an entry for this variant (Variation ID: 370113). For these reasons, this variant has been classified as Pathogenic. This variant is also known as c.3229_3230insA. This premature translational stop signal has been observed in individual(s) with Usher syndrome (PMID: 25575603). In at least one individual the data is consistent with being in trans (on the opposite chromosome) from a pathogenic variant. This variant is present in population databases (rs770832663, gnomAD 0.0009%). This sequence change creates a premature translational stop signal (p.Phe1148Ilefs*8) in the PCDH15 gene. It is expected to result in an absent or disrupted protein product. Loss-of-function variants in PCDH15 are known to be pathogenic (PMID: 11398101, 11487575, 14570705).

Laboratory for Molecular Medicine, Mass General Brigham Personalized Medicine
Classification: Pathogenic for Rare genetic deafness. Last evaluated: 2018-03-02. Review status: criteria provided, single submitter. Criteria: LMM Criteria. Collection method: clinical testing. Allele origin: germline. Inheritance: Autosomal recessive inheritance. Observed: 1 variant allele.
Comment: The p.Phe1148fs variant in PCDH15 has been reported in one individual with Usher syndrome, who was compound heterozygous with a second likely pathogenic PCDH15 variant (Lenarduzzi 2015). This variant has been identified in 1/111386 European chromosomes by the Genome Aggregation Database (gnomAD; dbSNP rs770832663) and has been reported in ClinVar (Variation ID: 3 70113). Although this variant has been seen in the general population, its frequ ency is low enough to be consistent with a recessive carrier frequency. This var iant is predicted to cause a frameshift, which alters the protein?s amino acid s equence beginning at position 1148 and leads to a premature termination codon 8 amino acids downstream. Loss of PCDH15 function is an established disease mechan ism for Usher syndrome. In summary, this variant meets criteria to be classified as pathogenic for autosomal recessive Usher syndrome based on its presence in a n affected individual, extremely low frequency in the general population, and it s predicted impact on the protein. ACMG/AMP Criteria applied: PVS1; PM2; PM3; PP 4.

Natera, Inc.
Classification: Pathogenic for Usher syndrome type 1F. Last evaluated: 2020-09-16. Review status: no assertion criteria provided. Collection method: clinical testing. Allele origin: germline. Not counted in ClinVar's aggregate classification.

Counsyl
Classification: Likely pathogenic for Usher syndrome type 1F. Last evaluated: 2015-11-24. Review status: no assertion criteria provided. Collection method: clinical testing. Allele origin: unknown. Not counted in ClinVar's aggregate classification.

Literature cited by the submitters: PubMed 25575603 (cited by 3 submitters); PubMed 11398101 (cited by Labcorp Genetics (formerly Invitae), Labcorp); PubMed 11487575 (cited by Labcorp Genetics (formerly Invitae), Labcorp); PubMed 14570705 (cited by Labcorp Genetics (formerly Invitae), Labcorp); PubMed 12711741 (cited by Laboratory for Molecular Medicine, Mass General Brigham Personalized Medicine); PubMed 25307757 (cited by Laboratory for Molecular Medicine, Mass General Brigham Personalized Medicine); PubMed 18719945 (cited by Laboratory for Molecular Medicine, Mass General Brigham Personalized Medicine).